The following is an entry in ClinVar:

NM_001458.5(FLNC):c.6617G>C (p.Arg2206Pro)

Genes: FLNC-AS1 (FLNC antisense RNA 1; minus strand), FLNC (filamin C; plus strand). Cytogenetic location: 7q32.1.
Variant type: single nucleotide variant.
Coding change: c.6617G>C on transcript NM_001458.5 (MANE Select); coding-DNA position 6617, G replaced by C.
Protein change: p.Arg2206Pro; replaces arginine 2206 with proline.
Molecular consequence: missense variant.
Genome position (GRCh38, 1-based): chr7:128,854,106, G>C. VCF-style: chr7-128854106-G-C. GRCh37 (hg19) VCF-style: chr7-128494160-G-C.
Other names: c.6518G>C, p.Arg2173Pro (NM_001127487.2); short protein forms R2173P, R2206P.
Identifiers: ClinVar variation 1010297 (VCV001010297.9), dbSNP rs781671804, ClinGen allele CA369212936.

ClinVar aggregate classification (germline): Uncertain significance (1 of 4 stars; one submission).

Conditions:
Myofibrillar myopathy 5. Also called: FILAMINOPATHY, AUTOSOMAL DOMINANT; Filaminopathy (type). Identifiers: Orphanet 171445, MedGen C1836050, MONDO:0012289, OMIM 609524.
Hypertrophic cardiomyopathy 26. Also called: Cardiomyopathy, familial hypertrophic, 26. Identifiers: Orphanet 75249, MedGen C4310749, MONDO:0014883, OMIM 617047.
Distal myopathy with posterior leg and anterior hand involvement. Also called: WILLIAMS DISTAL MYOPATHY. Identifiers: Orphanet 63273, MedGen C3279722, MONDO:0013550, OMIM 614065.

Submission:

Labcorp Genetics (formerly Invitae), Labcorp
Classification: Uncertain significance for Distal myopathy with posterior leg and anterior hand involvement; Myofibrillar myopathy 5; Hypertrophic cardiomyopathy 26. Last evaluated: 2022-05-05. Review status: criteria provided, single submitter. Criteria: Invitae Variant Classification Sherloc (09022015). Collection method: clinical testing. Allele origin: germline.
Comment: This variant has not been reported in the literature in individuals affected with FLNC-related conditions. This variant is not present in population databases (gnomAD no frequency). This sequence change replaces arginine, which is basic and polar, with proline, which is neutral and non-polar, at codon 2206 of the FLNC protein (p.Arg2206Pro). In summary, the available evidence is currently insufficient to determine the role of this variant in disease. Therefore, it has been classified as a Variant of Uncertain Significance. Algorithms developed to predict the effect of missense changes on protein structure and function are either unavailable or do not agree on the potential impact of this missense change (SIFT: "Deleterious"; PolyPhen-2: "Benign"; Align-GVGD: "Class C0"). ClinVar contains an entry for this variant (Variation ID: 1010297).